The following is an entry in ClinVar:

NM_000275.3(OCA2):c.1354G>C (p.Val452Leu)

Gene: OCA2 (OCA2 melanosomal transmembrane protein; minus strand). Cytogenetic location: 15q13.1.
Variant type: single nucleotide variant.
Coding change: c.1354G>C on transcript NM_000275.3 (MANE Select); coding-DNA position 1354, G replaced by C.
Protein change: p.Val452Leu; replaces valine 452 with leucine.
Molecular consequence: missense variant.
Genome position (GRCh38, 1-based): chr15:27,985,074, C>G on the plus strand (G>C on the coding strand, the complement: OCA2 is on the minus strand). VCF-style: chr15-27985074-C-G. GRCh37 (hg19) VCF-style: chr15-28230220-C-G.
Other names: c.1282G>C, p.Val428Leu (NM_001300984.2); short protein forms V428L, V452L.
Identifiers: ClinVar variation 1355320 (VCV001355320.6), dbSNP rs1444988470, ClinGen allele CA391360509.

ClinVar aggregate classification (germline): Uncertain significance. Review status: criteria provided, multiple submitters, no conflicts (2 of 4 stars). 2 submissions from 2 submitters: Uncertain significance (2). Last evaluated 2025-03-28.

gnomAD v4.1: 1 of 1,613,906 alleles (0.000062%); highest among the groups gnomAD compares: Non-Finnish European, 0.000085%; no homozygotes.

Submissions (2):

Women's Health and Genetics/Laboratory Corporation of America, LabCorp
Classification: Uncertain significance. Last evaluated: 2025-03-28. Review status: criteria provided, single submitter. Criteria: LabCorp Variant Classification Summary - May 2015. Collection method: clinical testing. Allele origin: germline.
Comment: Variant summary: OCA2 c.1354G>C (p.Val452Leu) results in a conservative amino acid change in the encoded protein sequence. Four of five in-silico tools predict a damaging effect of the variant on protein function. The variant was absent in 250106 control chromosomes (gnomAD). The available data on variant occurrences in the general population are insufficient to allow any conclusion about variant significance. To our knowledge, no occurrence of c.1354G>C in individuals affected with Tyrosinase-Positive Oculocutaneous Albinism and no experimental evidence demonstrating its impact on protein function have been reported. ClinVar contains an entry for this variant (Variation ID: 1355320). Based on the evidence outlined above, the variant was classified as uncertain significance.

Labcorp Genetics (formerly Invitae), Labcorp
Classification: Uncertain significance. Last evaluated: 2022-03-10. Review status: criteria provided, single submitter. Criteria: Invitae Variant Classification Sherloc (09022015). Collection method: clinical testing. Allele origin: germline.
Comment: This sequence change replaces valine, which is neutral and non-polar, with leucine, which is neutral and non-polar, at codon 452 of the OCA2 protein (p.Val452Leu). This variant is not present in population databases (gnomAD no frequency). This variant has not been reported in the literature in individuals affected with OCA2-related conditions. Advanced modeling of protein sequence and biophysical properties (such as structural, functional, and spatial information, amino acid conservation, physicochemical variation, residue mobility, and thermodynamic stability) performed at Invitae indicates that this missense variant is expected to disrupt OCA2 protein function. In summary, the available evidence is currently insufficient to determine the role of this variant in disease. Therefore, it has been classified as a Variant of Uncertain Significance.